The following is an entry in ClinVar:

ClinVar aggregate classification (germline): Uncertain significance (1 of 4 stars; one submission).

Conditions:
Congenital disorder of glycosylation (CDG). Also called: Congenital disorders of glycosylation; Carbohydrate-deficient glycoprotein syndrome. Identifiers: Orphanet 137, MedGen C0282577, MONDO:0015286.

Allele frequency attached by ClinVar (database versions not stated): gnomAD 0.00001; TOPMed 0.00001.
gnomAD v4.1: 9 of 1,614,012 alleles (0.00056%); highest among the groups gnomAD compares: Admixed American, 0.0017%; no homozygotes.

Submission:

Labcorp Genetics (formerly Invitae), Labcorp
Classification: Uncertain significance for Congenital disorder of glycosylation. Last evaluated: 2022-01-11. Review status: criteria provided, single submitter. Criteria: Invitae Variant Classification Sherloc (09022015). Collection method: clinical testing. Allele origin: germline.
Comment: This variant is present in population databases (rs746304941, gnomAD 0.003%). This sequence change replaces lysine, which is basic and polar, with arginine, which is basic and polar, at codon 340 of the RPN2 protein (p.Lys340Arg). This variant has not been reported in the literature in individuals affected with RPN2-related conditions. In summary, the available evidence is currently insufficient to determine the role of this variant in disease. Therefore, it has been classified as a Variant of Uncertain Significance. Algorithms developed to predict the effect of missense changes on protein structure and function are either unavailable or do not agree on the potential impact of this missense change (SIFT: "Not Available"; PolyPhen-2: "Possibly Damaging"; Align-GVGD: "Not Available").

NM_002951.5(RPN2):c.1019A>G (p.Lys340Arg)

Gene: RPN2 (ribophorin II; plus strand). Cytogenetic location: 20q11.23.
Variant type: single nucleotide variant.
Coding change: c.1019A>G on transcript NM_002951.5 (MANE Select); coding-DNA position 1019, A replaced by G.
Protein change: p.Lys340Arg; replaces lysine 340 with arginine.
Molecular consequence: missense variant.
Genome position (GRCh38, 1-based): chr20:37,213,792, A>G. VCF-style: chr20-37213792-A-G. GRCh37 (hg19) VCF-style: chr20-35842195-A-G.
Other names: c.923A>G, p.Lys308Arg (NM_001135771.3); c.1019A>G, p.Lys340Arg (NM_001324299.2, NM_001324302.2, NM_001324303.2 and 1 more transcripts); c.1067A>G, p.Lys356Arg (NM_001324301.2, NM_001324305.2); c.548A>G, p.Lys183Arg (NM_001324306.2); short protein forms K183R, K340R, K308R, K356R.
Identifiers: ClinVar variation 1942604 (VCV001942604.5), dbSNP rs746304941, ClinGen allele CA9847060.
Genomic context (GRCh38, chr20:37,213,792, plus strand): 5'-TTGCTAAGCCCATTGTCATTCTTAACAGGGATGTTTTTGAACTAAATTTCATGAACGTCA[A>G]ATTTTCCAGTGGTTATTATGACTTCCTTGTCGAAGTTGAAGGTGACAACCGGTATATTGC-3'
Protein context (NP_002942.2, residues 330-350): DVFELNFMNV[Lys340Arg]FSSGYYDFLV